The following is an entry in ClinVar:

NM_001372076.1(PAX9):c.487_490dup (p.Ser164fs)

Gene: PAX9 (paired box 9; plus strand). Cytogenetic location: 14q13.3.
Variant type: Duplication.
Coding change: c.487_490dup on transcript NM_001372076.1 (MANE Select); coding-DNA positions 487 to 490, 4 bases duplicated (CCCA; older notation c.487_490dupCCCA).
Protein change: p.Ser164fs; shifts the reading frame from serine 164.
Molecular consequence: frameshift variant.
Genome position (GRCh38, 1-based): chr14:36,663,379-36,663,382, CCCA duplicated. VCF-style (leftmost placement, unchanged base first): chr14-36663378-C-CCCCA. GRCh37 (hg19) VCF-style: chr14-37132583-C-CCCCA.
Other names: c.487_490dup, p.Ser164fs (NM_006194.4); short protein forms S164fs.
Identifiers: ClinVar variation 1697312 (VCV001697312.1), dbSNP rs2139108573, ClinGen allele CA2580088077.
Genomic context (GRCh38, chr14:36,663,378, plus strand): 5'-ATACAAGCAGCACCAGCCGACGCCGCAGCCAGCGCTGCCCTACAACCACATCTACTCGTA[C>CCCCA]CCCAGCCCTATCACGGCGGCGGCCGCCAAGGTGCCCACGCCACCCGGGGTGCCTGCCATC-3'

ClinVar aggregate classification (germline): Likely pathogenic (1 of 4 stars; one submission).

Conditions:
Tooth agenesis, selective, 3 (STHAG3). Also called: HYPODONTIA/OLIGODONTIA 3. Identifiers: Orphanet 99798, MedGen C1970291, MONDO:0011477, OMIM 604625. Disease mechanism: loss of function.

Submission:

Institute of Human Genetics, University of Leipzig Medical Center
Classification: Likely pathogenic for Tooth agenesis, selective, 3. Last evaluated: 2022-07-15. Review status: criteria provided, single submitter. Criteria: ACMG Guidelines, 2015. Collection method: clinical testing. Allele origin: unknown. Affected: yes.
Comment: _x000D_ Criteria applied: PVS1_STR, PM2_SUP, PP4